The following is an entry in ClinVar:

ClinVar aggregate classification (germline): Uncertain significance (1 of 4 stars; one submission).

Conditions:
Inborn genetic diseases. Identifiers: MedGen C0950123, MeSH D030342.

Submission:

Ambry Genetics
Classification: Uncertain significance for Inborn genetic diseases. Last evaluated: 2025-11-25. Review status: criteria provided, single submitter. Criteria: Ambry Variant Classification Scheme 2023. Collection method: clinical testing. Allele origin: germline.
Comment: The p.R119T variant (also known as c.356G>C), located in coding exon 4 of the FANCG gene, results from a G to C substitution at nucleotide position 356. The arginine at codon 119 is replaced by threonine, an amino acid with similar properties. This amino acid position is conserved. In addition, this alteration is predicted to be tolerated by in silico analysis. Based on the available evidence, the clinical significance of this variant remains unclear.

NM_004629.2(FANCG):c.356G>C (p.Arg119Thr)

Gene: FANCG (FA complementation group G; minus strand). Cytogenetic location: 9p13.3.
Variant type: single nucleotide variant.
Coding change: c.356G>C on transcript NM_004629.2 (MANE Select); coding-DNA position 356, G replaced by C.
Protein change: p.Arg119Thr; replaces arginine 119 with threonine.
Molecular consequence: missense variant.
Genome position (GRCh38, 1-based): chr9:35,078,295, C>G on the plus strand (G>C on the coding strand, the complement: FANCG is on the minus strand). VCF-style: chr9-35078295-C-G. GRCh37 (hg19) VCF-style: chr9-35078292-C-G.
Other names: short protein forms R119T.
Identifiers: ClinVar variation 4619396 (VCV004619396.1).